The following is an entry in ClinVar:

ClinVar aggregate classification (germline): Uncertain significance (1 of 4 stars; one submission).

Allele frequency attached by ClinVar (database versions not stated): gnomAD exomes below 0.00001.
gnomAD v4.1: 4 of 1,614,114 alleles (0.00025%); highest among the groups gnomAD compares: Non-Finnish European, 0.00034%; no homozygotes.

Submission:

Labcorp Genetics (formerly Invitae), Labcorp
Classification: Uncertain significance. Last evaluated: 2021-10-21. Review status: criteria provided, single submitter. Criteria: Invitae Variant Classification Sherloc (09022015). Collection method: clinical testing. Allele origin: germline.
Comment: In summary, the available evidence is currently insufficient to determine the role of this variant in disease. Therefore, it has been classified as a Variant of Uncertain Significance. Algorithms developed to predict the effect of missense changes on protein structure and function (SIFT, PolyPhen-2, Align-GVGD) all suggest that this variant is likely to be tolerated. This variant has not been reported in the literature in individuals affected with C5-related conditions. This variant is not present in population databases (ExAC no frequency). This sequence change replaces isoleucine with valine at codon 1190 of the C5 protein (p.Ile1190Val). The isoleucine residue is highly conserved and there is a small physicochemical difference between isoleucine and valine.

NM_001735.3(C5):c.3568A>G (p.Ile1190Val)

Gene: C5 (complement C5; minus strand). Cytogenetic location: 9q33.2.
Variant type: single nucleotide variant.
Coding change: c.3568A>G on transcript NM_001735.3 (MANE Select); coding-DNA position 3568, A replaced by G.
Protein change: p.Ile1190Val; replaces isoleucine 1190 with valine.
Molecular consequence: missense variant.
Genome position (GRCh38, 1-based): chr9:120,980,173, T>C on the plus strand (A>G on the coding strand, the complement: C5 is on the minus strand). VCF-style: chr9-120980173-T-C. GRCh37 (hg19) VCF-style: chr9-123742451-T-C.
Other names: c.3586A>G, p.Ile1196Val (NM_001317163.2); short protein forms I1196V, I1190V.
Identifiers: ClinVar variation 1422214 (VCV001422214.6), dbSNP rs1338121809, ClinGen allele CA374727355.